The following is an entry in ClinVar:

NM_019594.4(LRRC8A):c.1037G>A (p.Arg346His)

Gene: LRRC8A (leucine rich repeat containing 8 VRAC subunit A; plus strand). Cytogenetic location: 9q34.11.
Variant type: single nucleotide variant.
Coding change: c.1037G>A on transcript NM_019594.4 (MANE Select); coding-DNA position 1037, G replaced by A.
Protein change: p.Arg346His; replaces arginine 346 with histidine.
Molecular consequence: missense variant.
Genome position (GRCh38, 1-based): chr9:128,908,201, G>A. VCF-style: chr9-128908201-G-A. GRCh37 (hg19) VCF-style: chr9-131670480-G-A.
Other names: c.1037G>A, p.Arg346His (NM_001127244.2, NM_001127245.2); short protein forms R346H.
Identifiers: ClinVar variation 1440434 (VCV001440434.5), dbSNP rs1367994080, ClinGen allele CA375079221.

ClinVar aggregate classification (germline): Uncertain significance (1 of 4 stars; one submission).

Allele frequency attached by ClinVar (database versions not stated): gnomAD exomes 0.00001.
gnomAD v4.1: 4 of 1,613,934 alleles (0.00025%); highest among the groups gnomAD compares: Admixed American, 0.0017%; no homozygotes.

Submission:

Labcorp Genetics (formerly Invitae), Labcorp
Classification: Uncertain significance. Last evaluated: 2021-09-17. Review status: criteria provided, single submitter. Criteria: Invitae Variant Classification Sherloc (09022015). Collection method: clinical testing. Allele origin: germline.
Comment: This sequence change replaces arginine with histidine at codon 346 of the LRRC8A protein (p.Arg346His). The arginine residue is highly conserved and there is a small physicochemical difference between arginine and histidine. This variant is not present in population databases (ExAC no frequency). This variant has not been reported in the literature in individuals affected with LRRC8A-related conditions. Algorithms developed to predict the effect of missense changes on protein structure and function (SIFT, PolyPhen-2, Align-GVGD) all suggest that this variant is likely to be disruptive. In summary, the available evidence is currently insufficient to determine the role of this variant in disease. Therefore, it has been classified as a Variant of Uncertain Significance.